The following is an entry in ClinVar:

ClinVar aggregate classification (germline): Likely pathogenic (1 of 4 stars; one submission).

Submission:

GeneDx
Classification: Likely pathogenic. Last evaluated: 2025-01-30. Review status: criteria provided, single submitter. Criteria: GeneDx Variant Classification Process June 2021. Collection method: clinical testing. Allele origin: germline. Affected: yes.
Comment: Intronic variant directly or indirectly altering the +5 splice site in a gene for which loss of function is a known mechanism of disease, and splice predictors support a deleterious effect; Not observed at significant frequency in large population cohorts (gnomAD); Has not been previously published as pathogenic or benign to our knowledge

NM_197968.4(ZMYM2):c.2458+5G>A

Gene: ZMYM2 (zinc finger MYM-type containing 2; plus strand). Cytogenetic location: 13q12.11.
Variant type: single nucleotide variant.
Coding change: c.2458+5G>A on transcript NM_197968.4 (MANE Select); 5 bases into the intron after coding-DNA position 2458, G replaced by A.
Molecular consequence: intron variant.
Genome position (GRCh38, 1-based): chr13:20,051,603, G>A. VCF-style: chr13-20051603-G-A. GRCh37 (hg19) VCF-style: chr13-20625743-G-A.
Other names: c.2197+5G>A (NM_001353163.2); c.2458+5G>A (NM_001353157.2, NM_001353164.2, NM_001353159.2 and 5 more transcripts); c.2263+5G>A (NM_001353161.3).
Identifiers: ClinVar variation 4072489 (VCV004072489.1).